The following is an entry in ClinVar:

ClinVar aggregate classification (germline): Conflicting classifications of pathogenicity. Review status: criteria provided, conflicting classifications (1 of 4 stars). 3 submissions from 3 submitters: Uncertain significance (1); Likely benign (2). Last evaluated 2025-09-11.

Conditions:
Hereditary cancer-predisposing syndrome. Also called: Hereditary neoplastic syndrome; Neoplastic Syndromes, Hereditary; Tumor predisposition; Hereditary Cancer Syndrome. Identifiers: Orphanet 140162, MedGen C0027672, MeSH D009386, MONDO:0015356.
Fanconi anemia complementation group J. Also called: BRIP1-Related Fanconi Anemia. Identifiers: Orphanet 84, MedGen C1836860, MONDO:0012187, OMIM 609054.
Familial cancer of breast. Also called: BREAST CANCER, FAMILIAL; hereditary breast carcinoma; Hereditary breast cancer. Identifiers: Orphanet 227535, MedGen C0346153, MONDO:0016419, OMIM 114480. Disease mechanism: loss of function.

Allele frequency attached by ClinVar (database versions not stated): gnomAD exomes 0.00002.
gnomAD v4.1: 23 of 1,613,524 alleles (0.0014%); highest among the groups gnomAD compares: Non-Finnish European, 0.0019%; no homozygotes.

Submissions (3):

Labcorp Genetics (formerly Invitae), Labcorp
Classification: Likely benign for Familial cancer of breast; Fanconi anemia complementation group J. Last evaluated: 2025-09-11. Review status: criteria provided, single submitter. Criteria: Invitae Variant Classification Sherloc (09022015). Collection method: clinical testing. Allele origin: germline.

Myriad Genetics, Inc.
Classification: Likely benign for Familial cancer of breast. Last evaluated: 2024-08-30. Review status: criteria provided, single submitter. Criteria: Myriad Autosomal Dominant, Autosomal Recessive and X-Linked Classification Criteria (2023). Collection method: clinical testing. Allele origin: unknown.
Comment: This variant is considered likely benign. This variant is intronic and is not expected to impact mRNA splicing.

Color Diagnostics, LLC DBA Color Health
Classification: Uncertain significance for Hereditary cancer-predisposing syndrome. Last evaluated: 2019-05-01. Review status: criteria provided, single submitter. Criteria: ACMG Guidelines, 2015. Collection method: clinical testing. Allele origin: germline.

NM_032043.3(BRIP1):c.1936-7A>G

Gene: BRIP1 (BRCA1 interacting DNA helicase 1; minus strand). Cytogenetic location: 17q23.2.
Variant type: single nucleotide variant.
Coding change: c.1936-7A>G on transcript NM_032043.3 (MANE Select); 7 bases into the intron before coding-DNA position 1936, A replaced by G.
Molecular consequence: intron variant.
Genome position (GRCh38, 1-based): chr17:61,776,569, T>C on the plus strand (A>G on the coding strand, the complement: BRIP1 is on the minus strand). VCF-style: chr17-61776569-T-C. GRCh37 (hg19) VCF-style: chr17-59853930-T-C.
Identifiers: ClinVar variation 461088 (VCV000461088.17), dbSNP rs1427111542, ClinGen allele CA658658668.